The following is an entry in ClinVar:

ClinVar aggregate classification (germline): Conflicting classifications of pathogenicity. Review status: criteria provided, conflicting classifications (1 of 4 stars). 5 submissions from 5 submitters: Uncertain significance (4); Likely benign (1). Last evaluated 2024-06-11.

Conditions:
Hereditary cancer-predisposing syndrome. Also called: Tumor predisposition; Neoplastic Syndromes, Hereditary; Hereditary neoplastic syndrome; Hereditary Cancer Syndrome. Identifiers: Orphanet 140162, MedGen C0027672, MeSH D009386, MONDO:0015356.
Hereditary breast ovarian cancer syndrome. Also called: Hereditary breast and ovarian cancer; Hereditary breast and ovarian cancer syndrome (HBOC); Breast and ovarian cancer; Hereditary breast and ovarian cancer syndrome; BRCA1- and BRCA2-Associated Hereditary Breast and Ovarian Cancer; Hereditary breast and/or ovarian cancer syndrome. Identifiers: Orphanet 145, MedGen C0677776, MeSH D061325, MONDO:0003582. Disease mechanism: loss of function.
BRCA1-related cancer predisposition. Identifiers: MedGen CN377757, MONDO:0700268.

Submissions (5):

All of Us Research Program, National Institutes of Health
Classification: Uncertain significance for BRCA1-related cancer predisposition. Last evaluated: 2024-06-11. Review status: criteria provided, single submitter. Criteria: ACMG Guidelines, 2015. Collection method: clinical testing. Allele origin: germline. Inheritance: Autosomal dominant inheritance. Observed: 1 variant allele, 1 heterozygote.
Comment: This study involves interpretation of variants in research participants for the purpose of population health screening. Participant phenotype was not available at the time of variant classification. Additional details can be found in publication PMID: 35346344, PMCID: PMC8962531

Ambry Genetics
Classification: Uncertain significance for Hereditary cancer-predisposing syndrome. Last evaluated: 2024-02-27. Review status: criteria provided, single submitter. Criteria: Ambry Variant Classification Scheme 2023. Collection method: clinical testing. Allele origin: germline.
Comment: The p.G876R variant (also known as c.2626G>A), located in coding exon 9 of the BRCA1 gene, results from a G to A substitution at nucleotide position 2626. The glycine at codon 876 is replaced by arginine, an amino acid with dissimilar properties. This amino acid position is conserved. In addition, this alteration is predicted to be tolerated by in silico analysis. Based on the available evidence, the clinical significance of this alteration remains unclear.

Labcorp Genetics (formerly Invitae), Labcorp
Classification: Uncertain significance for Hereditary breast ovarian cancer syndrome. Last evaluated: 2023-04-20. Review status: criteria provided, single submitter. Criteria: Invitae Variant Classification Sherloc (09022015). Collection method: clinical testing. Allele origin: germline.
Comment: This sequence change replaces glycine, which is neutral and non-polar, with arginine, which is basic and polar, at codon 876 of the BRCA1 protein (p.Gly876Arg). This variant is not present in population databases (gnomAD no frequency). In summary, the available evidence is currently insufficient to determine the role of this variant in disease. Therefore, it has been classified as a Variant of Uncertain Significance. Advanced modeling of protein sequence and biophysical properties (such as structural, functional, and spatial information, amino acid conservation, physicochemical variation, residue mobility, and thermodynamic stability) performed at Invitae indicates that this missense variant is not expected to disrupt BRCA1 protein function. ClinVar contains an entry for this variant (Variation ID: 631233). This variant has not been reported in the literature in individuals affected with BRCA1-related conditions.

University of Washington Department of Laboratory Medicine, University of Washington
Classification: Likely benign for Hereditary cancer-predisposing syndrome. Last evaluated: 2023-03-23. Review status: criteria provided, single submitter. Criteria: Dines et al. (Genet Med. 2020). Collection method: curation. Allele origin: germline.
Comment: Missense variant in a coldspot region where missense variants are very unlikely to be pathogenic (PMID:31911673).

BRCA1 coldspot (exon 11 using historical exon numbering). Reclassification based on statistical prior probability

Color Diagnostics, LLC DBA Color Health
Classification: Uncertain significance for Hereditary cancer-predisposing syndrome. Last evaluated: 2019-02-03. Review status: criteria provided, single submitter. Criteria: ACMG Guidelines, 2015. Collection method: clinical testing. Allele origin: germline.

NM_007294.4(BRCA1):c.2626G>A (p.Gly876Arg)

Gene: BRCA1 (BRCA1 DNA repair associated; minus strand). Cytogenetic location: 17q21.31.
Variant type: single nucleotide variant.
Coding change: c.2626G>A on transcript NM_007294.4 (MANE Select); coding-DNA position 2626, G replaced by A.
Protein change: p.Gly876Arg; replaces glycine 876 with arginine.
Molecular consequence: missense variant. On other transcripts: intron variant (137).
Genome position (GRCh38, 1-based): chr17:43,092,905, C>T on the plus strand (G>A on the coding strand, the complement: BRCA1 is on the minus strand). VCF-style: chr17-43092905-C-T. GRCh37 (hg19) VCF-style: chr17-41244922-C-T.
Other names: c.2482G>A, p.Gly828Arg (NM_001407844.1, NM_001407845.1, NM_001407846.1 and 20 more transcripts); c.2485G>A, p.Gly829Arg (NM_001407850.1, NM_001407851.1, NM_001407852.1 and 29 more transcripts); c.2413G>A, p.Gly805Arg (NM_001407853.1, NM_001407894.1, NM_001407895.1 and 9 more transcripts); c.2626G>A, p.Gly876Arg (NM_001407854.1, NM_001407858.1, NM_001407859.1 and 30 more transcripts); c.2623G>A, p.Gly875Arg (NM_001407860.1, NM_001407861.1, NM_001407587.1 and 22 more transcripts); c.2425G>A, p.Gly809Arg (NM_001407862.1); c.2503G>A, p.Gly835Arg (NM_001407863.1, NM_001407919.1, NM_001407937.1 and 19 more transcripts); c.2422G>A, p.Gly808Arg (NM_001407874.1, NM_001407875.1); and 41 more; short protein forms G876R, G829R, G765R, G787R, G806R, G808R, G828R, G873R.
Identifiers: ClinVar variation 631233 (VCV000631233.11), dbSNP rs1567794885, ClinGen allele CA10596743.